The following is an entry in ClinVar:

NM_000057.4(BLM):c.2601A>C (p.Leu867Phe)

Gene: BLM (BLM RecQ like helicase; plus strand). Cytogenetic location: 15q26.1.
Variant type: single nucleotide variant.
Coding change: c.2601A>C on transcript NM_000057.4 (MANE Select); coding-DNA position 2601, A replaced by C.
Protein change: p.Leu867Phe; replaces leucine 867 with phenylalanine.
Molecular consequence: missense variant.
Genome position (GRCh38, 1-based): chr15:90,782,867, A>C. VCF-style: chr15-90782867-A-C. GRCh37 (hg19) VCF-style: chr15-91326097-A-C.
Other names: c.2601A>C, p.Leu867Phe (NM_001287246.2, NM_001287247.2); c.1476A>C, p.Leu492Phe (NM_001287248.2); short protein forms L867F, L492F.
Identifiers: ClinVar variation 1793679 (VCV001793679.7), dbSNP rs2505495420, ClinGen allele CA393845688.

ClinVar aggregate classification (germline): Uncertain significance. Review status: criteria provided, multiple submitters, no conflicts (2 of 4 stars). 2 submissions from 2 submitters: Uncertain significance (2). Last evaluated 2022-10-07.

Conditions:
Hereditary cancer-predisposing syndrome. Also called: Tumor predisposition; Hereditary Cancer Syndrome; Neoplastic Syndromes, Hereditary; Hereditary neoplastic syndrome. Identifiers: Orphanet 140162, MedGen C0027672, MeSH D009386, MONDO:0015356.
Bloom syndrome (BLM). Also called: Bloom-Torre-Machacek syndrome. Identifiers: Orphanet 125, MedGen C0005859, MONDO:0008876, OMIM 210900.

Submissions (2):

Labcorp Genetics (formerly Invitae), Labcorp
Classification: Uncertain significance for Bloom syndrome. Last evaluated: 2022-10-07. Review status: criteria provided, single submitter. Criteria: Invitae Variant Classification Sherloc (09022015). Collection method: clinical testing. Allele origin: germline.
Comment: In summary, the available evidence is currently insufficient to determine the role of this variant in disease. Therefore, it has been classified as a Variant of Uncertain Significance. This variant has not been reported in the literature in individuals affected with BLM-related conditions. This variant is not present in population databases (gnomAD no frequency). This sequence change replaces leucine, which is neutral and non-polar, with phenylalanine, which is neutral and non-polar, at codon 867 of the BLM protein (p.Leu867Phe). Advanced modeling of protein sequence and biophysical properties (such as structural, functional, and spatial information, amino acid conservation, physicochemical variation, residue mobility, and thermodynamic stability) has been performed at Invitae for this missense variant, however the output from this modeling did not meet the statistical confidence thresholds required to predict the impact of this variant on BLM protein function.

Ambry Genetics
Classification: Uncertain significance for Hereditary cancer-predisposing syndrome. Last evaluated: 2022-03-20. Review status: criteria provided, single submitter. Criteria: Ambry Variant Classification Scheme 2023. Collection method: clinical testing. Allele origin: germline.
Comment: The p.L867F variant (also known as c.2601A>C), located in coding exon 12 of the BLM gene, results from an A to C substitution at nucleotide position 2601. The leucine at codon 867 is replaced by phenylalanine, an amino acid with highly similar properties. This amino acid position is conserved. In addition, the in silico prediction for this alteration is inconclusive. Since supporting evidence is limited at this time, the clinical significance of this alteration remains unclear.